The following is an entry in ClinVar:

NM_015335.5(MED13L):c.1444A>G (p.Arg482Gly)

Gene: MED13L (mediator complex subunit 13L; minus strand). Cytogenetic location: 12q24.21.
Variant type: single nucleotide variant.
Coding change: c.1444A>G on transcript NM_015335.5 (MANE Select); coding-DNA position 1444, A replaced by G.
Protein change: p.Arg482Gly; replaces arginine 482 with glycine.
Molecular consequence: missense variant.
Genome position (GRCh38, 1-based): chr12:116,008,969, T>C on the plus strand (A>G on the coding strand, the complement: MED13L is on the minus strand). VCF-style: chr12-116008969-T-C. GRCh37 (hg19) VCF-style: chr12-116446774-T-C.
Other names: short protein forms R482G.
Identifiers: ClinVar variation 2637528 (VCV002637528.1), dbSNP rs1879223663, ClinGen allele CA386896507.

ClinVar aggregate classification (germline): Uncertain significance (1 of 4 stars; one submission).

Allele frequency attached by ClinVar (database versions not stated): gnomAD exomes below 0.00001.
gnomAD v4.1: 2 of 1,614,172 alleles (0.00012%); highest among the groups gnomAD compares: Non-Finnish European, 0.00017%; no homozygotes.

Submission:

Women's Health and Genetics/Laboratory Corporation of America, LabCorp
Classification: Uncertain significance. Last evaluated: 2023-10-27. Review status: criteria provided, single submitter. Criteria: LabCorp Variant Classification Summary - May 2015. Collection method: clinical testing. Allele origin: germline.
Comment: Variant summary: MED13L c.1444A>G (p.Arg482Gly) results in a non-conservative amino acid change in the encoded protein sequence. Four of five in-silico tools predict a damaging effect of the variant on protein function. The variant was absent in 251178 control chromosomes. The available data on variant occurrences in the general population are insufficient to allow any conclusion about variant significance. To our knowledge, no occurrence of c.1444A>G in individuals affected with Intellectual Disability And Distinctive Facial Features With Or Without Cardiac Defects and no experimental evidence demonstrating its impact on protein function have been reported. No submitters have cited clinical-significance assessments for this variant to ClinVar after 2014. Based on the evidence outlined above, the variant was classified as uncertain significance.